The following is an entry in ClinVar:

NM_002161.6(IARS1):c.632del (p.Pro211fs)

Gene: IARS1 (isoleucyl-tRNA synthetase 1; minus strand). Cytogenetic location: 9q22.31.
Variant type: Deletion.
Coding change: c.632del on transcript NM_002161.6 (MANE Select); coding-DNA position 632, one base deleted (C; older notation c.632delC).
Protein change: p.Pro211fs; shifts the reading frame from proline 211.
Molecular consequence: frameshift variant. On other transcripts: non-coding transcript variant (1).
Genome position (GRCh38, 1-based): chr9:92,280,859, G deleted on the plus strand (C on the coding strand, the reverse complement: IARS1 is on the minus strand); the first of 3 consecutive G bases (chr9:92,280,859-92,280,861); deleting any one gives the same sequence. VCF-style (leftmost placement, unchanged base first): chr9-92280858-AG-A. GRCh37 (hg19) VCF-style: chr9-95043140-AG-A.
Other names: c.632del, p.Pro211fs (NM_001374299.1, NM_001374300.1, NM_001374301.1 and 15 more transcripts); c.695del, p.Pro232fs (NM_001378569.1); c.509del, p.Pro170fs (NM_001378583.1); short protein forms P170fs, P211fs, P232fs.
Identifiers: ClinVar variation 2627366 (VCV002627366.1), dbSNP rs2490952104, ClinGen allele CA2582342006.
Genomic context (GRCh38, chr9:92,280,858, plus strand): 5'-AGGTAGAGTCCAGGGAGTGGTTGTCCAAGCAACTAAAGATACAGTTTCATCTTCTTCCAA[AG>A]GGAAAGTTACAAATACTGAAGGATCTTGAACATCCTGAAATAAATTGAGGTAAAGTATTG-3'

ClinVar aggregate classification (germline): Pathogenic (1 of 4 stars; one submission).

Conditions:
Growth retardation, intellectual developmental disorder, hypotonia, and hepatopathy (GRIDHH). Also called: GROWTH RETARDATION, IMPAIRED INTELLECTUAL DEVELOPMENT, HYPOTONIA, AND HEPATOPATHY. Identifiers: Orphanet 541423, MedGen C4310720, MONDO:0014911, OMIM 617093.

Submission:

Women's Health and Genetics/Laboratory Corporation of America, LabCorp
Classification: Pathogenic for Growth retardation, intellectual developmental disorder, hypotonia, and hepatopathy. Last evaluated: 2023-08-18. Review status: criteria provided, single submitter. Criteria: LabCorp Variant Classification Summary - May 2015. Collection method: clinical testing. Allele origin: germline.
Comment: Variant summary: IARS/IARS1 c.632delC (p.Pro211LeufsX10) results in a premature termination codon, predicted to cause a truncation of the encoded protein or absence of the protein due to nonsense mediated decay, which are commonly known mechanisms for disease. The variant was absent in 250728 control chromosomes. To our knowledge, no occurrence of c.632delC in individuals affected with Growth Retardation, Intellectual Developmental Disorder, Hypotonia, And Hepatopathy and no experimental evidence demonstrating its impact on protein function have been reported. No submitters have cited clinical-significance assessments for this variant to ClinVar after 2014. Based on the evidence outlined above, the variant was classified as pathogenic.